The following is an entry in ClinVar:

NM_000540.3(RYR1):c.4452C>A (p.Ser1484Arg)

Gene: RYR1 (ryanodine receptor 1; plus strand). Cytogenetic location: 19q13.2.
Variant type: single nucleotide variant.
Coding change: c.4452C>A on transcript NM_000540.3 (MANE Select); coding-DNA position 4452, C replaced by A.
Protein change: p.Ser1484Arg; replaces serine 1484 with arginine.
Molecular consequence: missense variant.
Genome position (GRCh38, 1-based): chr19:38,477,868, C>A. VCF-style: chr19-38477868-C-A. GRCh37 (hg19) VCF-style: chr19-38968508-C-A.
Other names: c.4452C>A, p.Ser1484Arg (NM_001042723.2); short protein forms S1484R.
Identifiers: ClinVar variation 3072026 (VCV003072026.1), dbSNP rs2514178469, ClinGen allele CA405646400.

ClinVar aggregate classification (germline): Uncertain significance (1 of 4 stars; one submission).

Conditions:
Malignant hyperthermia, susceptibility to, 1 (MHS1). Also called: Anesthesia related hyperthermia; Malignant hyperpyrexia; Fulminating hyperpyrexia; Pharmacogenic myopathy; RYR1-Related Malignant Hyperthermia Susceptibility; Malignant hyperthermia suceptibility 1. Identifiers: Orphanet 423, MedGen C2930980, MONDO:0007783, OMIM 145600.

Submission:

All of Us Research Program, National Institutes of Health
Classification: Uncertain significance for Malignant hyperthermia, susceptibility to, 1. Last evaluated: 2023-06-26. Review status: criteria provided, single submitter. Criteria: ACMG Guidelines, 2015. Collection method: clinical testing. Allele origin: germline. Inheritance: Autosomal dominant inheritance. Observed: 1 variant allele, 1 heterozygote.
Comment: This missense variant replaces serine with arginine at codon 1484 of the RYR1 protein. Computational prediction suggests that this variant may not impact protein structure and function (internally defined REVEL score threshold <= 0.5, PMID: 27666373). To our knowledge, functional studies have not been reported for this variant. This variant has not been reported in individuals affected with RYR1-related disorders in the literature. This variant has not been identified in the general population by the Genome Aggregation Database (gnomAD). The available evidence is insufficient to determine the role of this variant in disease conclusively. Therefore, this variant is classified as a Variant of Uncertain Significance.

This study involves interpretation of variants in research participants for the purpose of population health screening. Participant phenotype was not available at the time of variant classification. Additional details can be found in publication PMID: 35346344, PMCID: PMC8962531